The following is an entry in ClinVar:

NM_020964.3(EPG5):c.427G>A (p.Glu143Lys)

Gene: EPG5 (ectopic P-granules 5 autophagy tethering factor; minus strand). Cytogenetic location: 18q21.1.
Variant type: single nucleotide variant.
Coding change: c.427G>A on transcript NM_020964.3 (MANE Select); coding-DNA position 427, G replaced by A.
Protein change: p.Glu143Lys; replaces glutamic acid 143 with lysine.
Molecular consequence: missense variant.
Genome position (GRCh38, 1-based): chr18:45,954,975, C>T on the plus strand (G>A on the coding strand, the complement: EPG5 is on the minus strand). VCF-style: chr18-45954975-C-T. GRCh37 (hg19) VCF-style: chr18-43534941-C-T.
Other names: short protein forms E143K.
Identifiers: ClinVar variation 1520697 (VCV001520697.9), dbSNP rs2143789664, ClinGen allele CA402351754.
Genomic context (GRCh38, chr18:45,954,975, plus strand): 5'-TATAAGAAAAATTAGATTGGGGTGCACTTTCTGAAAGTCCACCTTGTACCGACATATTTT[C>T]CTCTACCTCTGTGAAGTTCTTGGGGGTTTCTACTTTAGTTCCAACATTGTCTCCAGGGTG-3'
Protein context (NP_066015.2, residues 133-153): ETPKNFTEVE[Glu143Lys]NMSVQGGLSE

ClinVar aggregate classification (germline): Uncertain significance (1 of 4 stars; one submission).

Conditions:
Vici syndrome (VICIS). Identifiers: Orphanet 1493, MedGen C1855772, MONDO:0009452, OMIM 242840.

Allele frequency attached by ClinVar (database versions not stated): gnomAD exomes below 0.00001.
gnomAD v4.1: 2 of 1,614,098 alleles (0.00012%); highest among the groups gnomAD compares: African/African-American, 0.0013%; no homozygotes.

Submission:

Labcorp Genetics (formerly Invitae), Labcorp
Classification: Uncertain significance for Vici syndrome. Last evaluated: 2022-01-15. Review status: criteria provided, single submitter. Criteria: Invitae Variant Classification Sherloc (09022015). Collection method: clinical testing. Allele origin: germline.
Comment: In summary, the available evidence is currently insufficient to determine the role of this variant in disease. Therefore, it has been classified as a Variant of Uncertain Significance. Algorithms developed to predict the effect of missense changes on protein structure and function output the following: SIFT: "Tolerated"; PolyPhen-2: "Benign"; Align-GVGD: "Class C0". The lysine amino acid residue is found in multiple mammalian species, which suggests that this missense change does not adversely affect protein function. This variant has not been reported in the literature in individuals affected with EPG5-related conditions. This variant is not present in population databases (gnomAD no frequency). This sequence change replaces glutamic acid, which is acidic and polar, with lysine, which is basic and polar, at codon 143 of the EPG5 protein (p.Glu143Lys).